The following is an entry in ClinVar:

NM_015459.5(ATL3):c.856G>T (p.Ala286Ser)

Genes: ATL3 (atlastin GTPase 3; minus strand), LNCROPM (lncRNA regulator of PLAAT3 mediated phospholipid metabolism; plus strand). Cytogenetic location: 11q13.1.
Variant type: single nucleotide variant.
Coding change: c.856G>T on transcript NM_015459.5 (MANE Select); coding-DNA position 856, G replaced by T.
Protein change: p.Ala286Ser; replaces alanine 286 with serine.
Molecular consequence: missense variant.
Genome position (GRCh38, 1-based): chr11:63,636,329, C>A on the plus strand (G>T on the coding strand, the complement: ATL3 is on the minus strand). VCF-style: chr11-63636329-C-A. GRCh37 (hg19) VCF-style: chr11-63403801-C-A.
Other names: c.802G>T, p.Ala268Ser (NM_001290048.2); short protein forms A268S, A286S.
Identifiers: ClinVar variation 1052919 (VCV001052919.9), dbSNP rs1361085781, ClinGen allele CA381027028.
Genomic context (GRCh38, chr11:63,636,329, plus strand): 5'-ACTTAGATGGGTTTAATACATACGGTATCAGTGCCTGTAACTGCTCTTTGAATTCACCAG[C>A]AATATCTGTTCACAGGACGACAAAGAAGGGAAAAATAAGCCAAACAGCCTTATTCAACCA-3'
Protein context (NP_056274.3, residues 276-296): PDFDGKLKDI[Ala286Ser]GEFKEQLQAL

ClinVar aggregate classification (germline): Uncertain significance (1 of 4 stars; one submission).

Conditions:
Neuropathy, hereditary sensory, type 1F. Also called: HSN IF; Hereditary sensory neuropathy type IF. Identifiers: Orphanet 36386, MedGen C3810194, MONDO:0014286, OMIM 615632.

Allele frequency attached by ClinVar (database versions not stated): TOPMed 0.00001.
gnomAD v4.1: 3 of 1,614,036 alleles (0.00019%); highest among the groups gnomAD compares: Non-Finnish European, 0.00025%; no homozygotes.

Submission:

Labcorp Genetics (formerly Invitae), Labcorp
Classification: Uncertain significance for Neuropathy, hereditary sensory, type 1F. Last evaluated: 2025-08-14. Review status: criteria provided, single submitter. Criteria: Invitae Variant Classification Sherloc (09022015). Collection method: clinical testing. Allele origin: germline.
Comment: This sequence change replaces alanine, which is neutral and non-polar, with serine, which is neutral and polar, at codon 286 of the ATL3 protein (p.Ala286Ser). This variant is present in population databases (no rsID available, gnomAD 0.0009%). This variant has not been reported in the literature in individuals affected with ATL3-related conditions. ClinVar contains an entry for this variant (Variation ID: 1052919). Invitae Evidence Modeling of protein sequence and biophysical properties (such as structural, functional, and spatial information, amino acid conservation, physicochemical variation, residue mobility, and thermodynamic stability) indicates that this missense variant is not expected to disrupt ATL3 protein function with a negative predictive value of 80%. In summary, the available evidence is currently insufficient to determine the role of this variant in disease. Therefore, it has been classified as a Variant of Uncertain Significance.